The following is an entry in ClinVar:

NM_003907.3(EIF2B5):c.1485C>G (p.Tyr495Ter)

Gene: EIF2B5 (eukaryotic translation initiation factor 2B subunit epsilon; plus strand). Cytogenetic location: 3q27.1.
Variant type: single nucleotide variant.
Coding change: c.1485C>G on transcript NM_003907.3 (MANE Select); coding-DNA position 1485, C replaced by G.
Protein change: p.Tyr495Ter; replaces tyrosine 495 with a stop codon.
Molecular consequence: nonsense.
Genome position (GRCh38, 1-based): chr3:184,142,542, C>G. VCF-style: chr3-184142542-C-G. GRCh37 (hg19) VCF-style: chr3-183860330-C-G.
Other names: short protein forms Y495*.
Identifiers: ClinVar variation 1028674 (VCV001028674.1), dbSNP rs753507995, ClinGen allele CA355390853.

ClinVar aggregate classification (germline): Pathogenic (1 of 4 stars; one submission).

Conditions:
Vanishing white matter disease. Also called: Childhood ataxia with diffuse central nervous system hypomyelination; Leukoencephalopathy with vanishing white matter; CACH/VWM syndrome; Cree leukoencehalopathy; CACH syndrome. Identifiers: Orphanet 135, Orphanet 99853, MedGen C1858991, MONDO:0800448.

Submission:

Baylor Genetics
Classification: Pathogenic for Leukoencephalopathy with vanishing white matter 1. Last evaluated: 2020-06-08. Review status: criteria provided, single submitter. Criteria: ACMG Guidelines, 2015. Collection method: clinical testing. Allele origin: unknown. Affected: yes.
Comment: This variant was determined to be pathogenic according to ACMG Guidelines, 2015 [PMID:25741868].